The following is an entry in ClinVar:

NM_000059.4(BRCA2):c.6400_6401del (p.Ser2133_Asn2134insTer)

Gene: BRCA2 (BRCA2 DNA repair associated; plus strand). Cytogenetic location: 13q13.1.
Variant type: Deletion.
Coding change: c.6400_6401del on transcript NM_000059.4 (MANE Select); coding-DNA positions 6400 to 6401, 2 bases deleted (AA; older notation c.6400_6401delAA).
Protein change: p.Ser2133_Asn2134insTer.
Molecular consequence: nonsense.
Genome position (GRCh38, 1-based): chr13:32,340,755-32,340,756, AA deleted; deleting any 2 consecutive bases within chr13:32,340,754-32,340,756 gives the same sequence; the c. name uses the placement nearest the transcript's 3' end. VCF-style (leftmost placement, unchanged base first): chr13-32340753-CAA-C. GRCh37 (hg19) VCF-style: chr13-32914890-CAA-C.
Other names: c.6400_6401del (NM_000059.3).
Identifiers: ClinVar variation 3381380 (VCV003381380.2).

ClinVar aggregate classification (germline): Pathogenic (1 of 4 stars; one submission).

Submission:

GeneDx
Classification: Pathogenic. Last evaluated: 2025-11-21. Review status: criteria provided, single submitter. Criteria: GeneDx Variant Classification Process June 2021. Collection method: clinical testing. Allele origin: germline.
Comment: Nonsense variant predicted to result in protein truncation or nonsense mediated decay in a gene for which loss of function is a known mechanism of disease; Not observed at significant frequency in large population cohorts (gnomAD); Truncating variants in this gene are considered pathogenic by a well-established clinical consortium and/or database; Also known as 6628_6629del; This variant is associated with the following publications: (PMID: 30078507, 30972954)